The following is an entry in ClinVar:

NM_001134363.3(RBM20):c.3220G>T (p.Asp1074Tyr)

Gene: RBM20 (RNA binding motif protein 20; plus strand). Cytogenetic location: 10q25.2.
Variant type: single nucleotide variant.
Coding change: c.3220G>T on transcript NM_001134363.3 (MANE Select); coding-DNA position 3220, G replaced by T.
Protein change: p.Asp1074Tyr; replaces aspartic acid 1074 with tyrosine.
Molecular consequence: missense variant.
Genome position (GRCh38, 1-based): chr10:110,821,839, G>T. VCF-style: chr10-110821839-G-T. GRCh37 (hg19) VCF-style: chr10-112581597-G-T.
Other names: short protein forms D1074Y.
Identifiers: ClinVar variation 1961117 (VCV001961117.5), dbSNP rs1844917103, ClinGen allele CA378381946.

ClinVar aggregate classification (germline): Uncertain significance (1 of 4 stars; one submission).

Conditions:
Dilated cardiomyopathy 1DD (CMD1DD). Identifiers: Orphanet 154, MedGen C2750995, MONDO:0013168, OMIM 613172.

Submission:

Labcorp Genetics (formerly Invitae), Labcorp
Classification: Uncertain significance for Dilated cardiomyopathy 1DD. Last evaluated: 2022-02-21. Review status: criteria provided, single submitter. Criteria: Invitae Variant Classification Sherloc (09022015). Collection method: clinical testing. Allele origin: germline.
Comment: In summary, the available evidence is currently insufficient to determine the role of this variant in disease. Therefore, it has been classified as a Variant of Uncertain Significance. Advanced modeling of protein sequence and biophysical properties (such as structural, functional, and spatial information, amino acid conservation, physicochemical variation, residue mobility, and thermodynamic stability) performed at Invitae indicates that this missense variant is not expected to disrupt RBM20 protein function. This variant has not been reported in the literature in individuals affected with RBM20-related conditions. This variant is not present in population databases (gnomAD no frequency). This sequence change replaces aspartic acid, which is acidic and polar, with tyrosine, which is neutral and polar, at codon 1074 of the RBM20 protein (p.Asp1074Tyr).